The following is an entry in ClinVar:

ClinVar aggregate classification (germline): Uncertain significance (1 of 4 stars; one submission).

Allele frequency attached by ClinVar (database versions not stated): gnomAD 0.00001; TOPMed 0.00002.
gnomAD v4.1: 2 of 1,613,678 alleles (0.00012%); highest among the groups gnomAD compares: African/African-American, 0.0013%; no homozygotes.

Submission:

Labcorp Genetics (formerly Invitae), Labcorp
Classification: Uncertain significance. Last evaluated: 2024-10-03. Review status: criteria provided, single submitter. Criteria: Invitae Variant Classification Sherloc (09022015). Collection method: clinical testing. Allele origin: germline.
Comment: This sequence change replaces alanine, which is neutral and non-polar, with valine, which is neutral and non-polar, at codon 1594 of the HMCN1 protein (p.Ala1594Val). This variant is not present in population databases (gnomAD no frequency). This variant has not been reported in the literature in individuals affected with HMCN1-related conditions. ClinVar contains an entry for this variant (Variation ID: 1931497). An algorithm developed to predict the effect of missense changes on protein structure and function (PolyPhen-2) suggests that this variant is likely to be tolerated. In summary, the available evidence is currently insufficient to determine the role of this variant in disease. Therefore, it has been classified as a Variant of Uncertain Significance.

NM_031935.3(HMCN1):c.4781C>T (p.Ala1594Val)

Gene: HMCN1 (hemicentin 1; plus strand). Cytogenetic location: 1q31.1.
Variant type: single nucleotide variant.
Coding change: c.4781C>T on transcript NM_031935.3 (MANE Select); coding-DNA position 4781, C replaced by T.
Protein change: p.Ala1594Val; replaces alanine 1594 with valine.
Molecular consequence: missense variant.
Genome position (GRCh38, 1-based): chr1:186,015,309, C>T. VCF-style: chr1-186015309-C-T. GRCh37 (hg19) VCF-style: chr1-185984441-C-T.
Other names: short protein forms A1594V.
Identifiers: ClinVar variation 1931497 (VCV001931497.5), dbSNP rs1654288114, ClinGen allele CA343885237.